The following is an entry in ClinVar:

ClinVar aggregate classification (germline): Uncertain significance (1 of 4 stars; one submission).

Conditions:
Nicolaides-Baraitser syndrome (NCBRS). Also called: SMARCA2-Related Nicolaides-Baraitser Syndrome; Intellectual disability-sparse hair-brachydactyly syndrome. Identifiers: Orphanet 3051, MedGen C1303073, MONDO:0011053, OMIM 601358.

gnomAD v4.1: 2 of 1,613,564 alleles (0.00012%); highest among the groups gnomAD compares: Non-Finnish European, 0.00017%; no homozygotes.

Submission:

Victorian Clinical Genetics Services, Murdoch Childrens Research Institute
Classification: Uncertain significance for Nicolaides-Baraitser syndrome. Last evaluated: 2022-06-24. Review status: criteria provided, single submitter. Criteria: ACMG Guidelines, 2015. Collection method: clinical testing. Allele origin: germline. Inheritance: Autosomal dominant inheritance. Affected: yes.
Comment: Based on the classification scheme VCGS_Germline_v1.3.4, this variant is classified as VUS-3A. Following criteria are met: 0105 - The mechanism of disease for this gene is not clearly established. Dominant negative is a suggested mechanism for Nicolaides-Baraitser syndrome (MIM#601358; PMID: 22366787). (I) 0107 - This gene is associated with autosomal dominant disease. (I) 0200 - Variant is predicted to result in a missense amino acid change from alanine to proline. (I) 0251 - This variant is heterozygous. (I) 0301 - Variant is absent from gnomAD (both v2 and v3). (SP) 0502 - Missense variant with conflicting in silico predictions and high conservation. (I) 0600 - Variant is located in the annotated probable chromatin-remodeling complex ATPase chain super family domain (NCBI). This region is moderately intolerant to missense variation (high constraint region in DECIPHER) and contains a cluster of pathogenic missense variants. (I) 0705 - No comparable missense variants have previous evidence for pathogenicity. (I) 0807 - This variant has no previous evidence of pathogenicity. (I) 0905 - No published segregation evidence has been identified for this variant. (I) 1007 - No published functional evidence has been identified for this variant. (I) 1208 - Inheritance information for this variant is not currently available in this individual. (I) Legend: (SP) - Supporting pathogenic, (I) - Information, (SB) - Supporting benign

Literature cited by the submitters: PubMed 22366787.

NM_003070.5(SMARCA2):c.2914G>C (p.Ala972Pro)

Gene: SMARCA2 (SWI/SNF related BAF chromatin remodeling complex subunit ATPase 2; plus strand). Cytogenetic location: 9p24.3.
Variant type: single nucleotide variant.
Coding change: c.2914G>C on transcript NM_003070.5 (MANE Select); coding-DNA position 2914, G replaced by C.
Protein change: p.Ala972Pro; replaces alanine 972 with proline.
Molecular consequence: missense variant.
Genome position (GRCh38, 1-based): chr9:2,096,687, G>C. VCF-style: chr9-2096687-G-C. GRCh37 (hg19) VCF-style: chr9-2096687-G-C.
Other names: c.2914G>C, p.Ala972Pro (NM_001289396.2, NM_139045.4); c.2740G>C, p.Ala914Pro (NM_001289397.2); short protein forms A914P, A972P.
Identifiers: ClinVar variation 1699236 (VCV001699236.3), dbSNP rs2130525728, ClinGen allele CA372785920.
Genomic context (GRCh38, chr9:2,096,687, plus strand): 5'-CTTGCCTACTTACTGTTCTCTTTTCTGCAGGTGGAATATGTGATCAAGTGTGACATGTCA[G>C]CTCTGCAGAAGATTCTGTATCGCCATATGCAAGCCAAGGGGATCCTTCTCACAGATGGTT-3'
Protein context (NP_003061.3, residues 962-982): VEYVIKCDMS[Ala972Pro]LQKILYRHMQ